The following is an entry in ClinVar:

NM_002334.4(LRP4):c.5060G>A (p.Arg1687His)

Genes: LRP4 (LDL receptor related protein 4; minus strand), LRP4-AS1 (LRP4 antisense RNA 1; plus strand). Cytogenetic location: 11p11.2.
Variant type: single nucleotide variant.
Coding change: c.5060G>A on transcript NM_002334.4 (MANE Select); coding-DNA position 5060, G replaced by A.
Protein change: p.Arg1687His; replaces arginine 1687 with histidine.
Molecular consequence: missense variant.
Genome position (GRCh38, 1-based): chr11:46,868,006, C>T on the plus strand (G>A on the coding strand, the complement: LRP4 is on the minus strand). VCF-style: chr11-46868006-C-T. GRCh37 (hg19) VCF-style: chr11-46889557-C-T.
Other names: short protein forms R1687H.
Identifiers: ClinVar variation 973089 (VCV000973089.7), dbSNP rs751407728, ClinGen allele CA5969166.

ClinVar aggregate classification (germline): Uncertain significance (1 of 4 stars; one submission).

Conditions:
Congenital myasthenic syndrome 17. Identifiers: Orphanet 590, MedGen C4225377, MONDO:0014578, OMIM 616304.
Cenani-Lenz syndactyly syndrome. Also called: SYNDACTYLY, TYPE VII; CENANI SYNDACTYLISM. Identifiers: Orphanet 3258, MedGen C1859309, MONDO:0008931, OMIM 212780.
Sclerosteosis 2 (SOST2). Identifiers: Orphanet 3152, MedGen C3280402, MONDO:0013679, OMIM 614305.
LRP4-related disorder. Also called: LRP4-related condition.

Allele frequency attached by ClinVar (database versions not stated): gnomAD below 0.00001 and 0.00001; ExAC 0.00001; gnomAD exomes 0.00001.
gnomAD v4.1: 14 of 1,614,006 alleles (0.00087%); highest among the groups gnomAD compares: South Asian, 0.0077%; no homozygotes.

Submission:

Labcorp Genetics (formerly Invitae), Labcorp
Classification: Uncertain significance for Cenani-Lenz syndactyly syndrome; Sclerosteosis 2; Congenital myasthenic syndrome 17. Last evaluated: 2022-05-13. Review status: criteria provided, single submitter. Criteria: Invitae Variant Classification Sherloc (09022015). Collection method: clinical testing. Allele origin: germline.
Comment: In summary, the available evidence is currently insufficient to determine the role of this variant in disease. Therefore, it has been classified as a Variant of Uncertain Significance. Algorithms developed to predict the effect of missense changes on protein structure and function output the following: SIFT: "Deleterious"; PolyPhen-2: "Benign"; Align-GVGD: "Class C0". The histidine amino acid residue is found in multiple mammalian species, which suggests that this missense change does not adversely affect protein function. ClinVar contains an entry for this variant (Variation ID: 973089). This variant has not been reported in the literature in individuals affected with LRP4-related conditions. This variant is present in population databases (rs751407728, gnomAD 0.003%). This sequence change replaces arginine, which is basic and polar, with histidine, which is basic and polar, at codon 1687 of the LRP4 protein (p.Arg1687His).